The following is an entry in ClinVar:

ClinVar aggregate classification (germline): Pathogenic. Review status: criteria provided, multiple submitters, no conflicts (2 of 4 stars). 2 submissions from 2 submitters: Pathogenic (2). Last evaluated 2026-09-08.

Conditions:
Fabry disease. Also called: GLA DEFICIENCY; HEREDITARY DYSTOPIC LIPIDOSIS; Fabry's disease; Angiokeratoma corporis diffusum; Ceramide trihexosidosis; ALPHA-GALACTOSIDASE A DEFICIENCY. Identifiers: Orphanet 324, MedGen C0002986, MONDO:0010526, OMIM 301500, HP:0001071. Disease mechanism: loss of function, Fabry disease is due to inactivating mutations in the X-linked GLA gene resulting in deficiency of the enzyme Alpha Galactosidase-A..

Submissions (2):

Genomenon, Inc
Classification: Pathogenic for Fabry disease. Last evaluated: 2026-09-08. Review status: criteria provided, single submitter. Criteria: Genomenon Sequence Variant Interpretation Standards - Updated. Collection method: curation. Allele origin: germline. Affected: yes.
Comment: GLA p.Arg17ProfsTer12 (c.50_54del) is a frameshift variant that is predicted to introduce a premature termination codon and result in a truncated or absent protein product. This variant has been observed in at least one proband with clinical features consistent with Fabry disease (PMID:39620496). It is absent or not present at a significant frequency in gnomAD. In conclusion, we classify GLA p.Arg17ProfsTer12 (c.50_54del) as a pathogenic variant.

Labcorp Genetics (formerly Invitae), Labcorp
Classification: Pathogenic for Fabry disease. Last evaluated: 2017-03-06. Review status: criteria provided, single submitter. Criteria: Invitae Variant Classification Sherloc (09022015). Collection method: clinical testing. Allele origin: germline.
Comment: For these reasons, this variant has been classified as Pathogenic. While this particular variant has not been reported in the literature, loss-of-function variants in GLA are known to be pathogenic (PMID: 10666480, 12175777). This sequence change deletes 5 nucleotides from exon 1 of the GLA mRNA (c.50_54delGCTTC), causing a frameshift at codon 17. This creates a premature translational stop signal (p.Arg17Profs*12) and is expected to result in an absent or disrupted protein product.

Literature cited by the submitters: PubMed 39620496 (cited by Genomenon, Inc); PubMed 10666480 (cited by Labcorp Genetics (formerly Invitae), Labcorp); PubMed 12175777 (cited by Labcorp Genetics (formerly Invitae), Labcorp).

NM_000169.3(GLA):c.50_54del (p.Arg17fs)

Genes: GLA (galactosidase alpha; minus strand), RPL36A-HNRNPH2 (RPL36A-HNRNPH2 readthrough; plus strand). Cytogenetic location: Xq22.1.
Variant type: Microsatellite.
Coding change: c.50_54del on transcript NM_000169.3 (MANE Select); coding-DNA positions 50 to 54, 5 bases deleted (GCTTC; older notation c.50_54delGCTTC).
Protein change: p.Arg17fs; shifts the reading frame from arginine 17.
Molecular consequence: frameshift variant. On other transcripts: non-coding transcript variant (3), intron variant (2).
Genome position (GRCh38, 1-based): chrX:101,407,850-101,407,854, GAAGC deleted on the plus strand (GCTTC on the coding strand, the reverse complement: GLA is on the minus strand); deleting any 5 consecutive bases within chrX:101,407,850-101,407,860 gives the same sequence; the c. name uses the placement nearest the transcript's 3' end. VCF-style (leftmost placement, unchanged base first): chrX-101407849-GGAAGC-G. GRCh37 (hg19) VCF-style: chrX-100662837-GGAAGC-G.
Other names: c.50_54del, p.Arg17fs (NM_001406747.1, NM_001406748.1, NM_001406749.1); c.301-4080_301-4076del (NM_001199973.2); c.178-4080_178-4076del (NM_001199974.2); c.50_54delGCTTC (NM_000169.2); c.50_54del (NM_000169.2); short protein forms R17fs.
Identifiers: ClinVar variation 222273 (VCV000222273.9), dbSNP rs869312316, ClinGen allele CA352723.